The following is an entry in ClinVar:

NM_000138.5(FBN1):c.293A>G (p.Asn98Ser)

Gene: FBN1 (fibrillin 1; minus strand). Cytogenetic location: 15q21.1.
Variant type: single nucleotide variant.
Coding change: c.293A>G on transcript NM_000138.5 (MANE Select); coding-DNA position 293, A replaced by G.
Protein change: p.Asn98Ser; replaces asparagine 98 with serine.
Molecular consequence: missense variant.
Genome position (GRCh38, 1-based): chr15:48,610,781, T>C on the plus strand (A>G on the coding strand, the complement: FBN1 is on the minus strand). VCF-style: chr15-48610781-T-C. GRCh37 (hg19) VCF-style: chr15-48902978-T-C.
Other names: c.293A>G, p.Asn98Ser (NM_001406716.1, NM_001406717.1); short protein forms N98S.
Identifiers: ClinVar variation 3070151 (VCV003070151.1), dbSNP rs2505775716, ClinGen allele CA392447012.

ClinVar aggregate classification (germline): Uncertain significance (1 of 4 stars; one submission).

Conditions:
Marfan syndrome (MFS). Also called: MARFAN SYNDROME, TYPE I; Marfan syndrome type 1; Marfan's syndrome; Marfan syndrome, classic; FBN1-Related Marfan Syndrome. Identifiers: Orphanet 284963, Orphanet 558, MedGen C0024796, MONDO:0007947, OMIM 154700.

Allele frequency attached by ClinVar (database versions not stated): gnomAD exomes below 0.00001.
gnomAD v4.1: 3 of 1,614,118 alleles (0.00019%); highest among the groups gnomAD compares: Non-Finnish European, 0.00025%; no homozygotes.

Submission:

All of Us Research Program, National Institutes of Health
Classification: Uncertain significance for Marfan syndrome. Last evaluated: 2023-04-03. Review status: criteria provided, single submitter. Criteria: ACMG Guidelines, 2015. Collection method: clinical testing. Allele origin: germline. Inheritance: Autosomal dominant inheritance. Observed: 1 variant allele, 1 heterozygote.
Comment: This missense variant replaces asparagine with serine at codon 98 of the FBN1 protein. Computational prediction suggests that this variant may not impact protein structure and function (internally defined REVEL score threshold <= 0.5, PMID: 27666373). To our knowledge, functional studies have not been reported for this variant. This variant has not been reported in individuals affected with FBN1-related disorders in the literature. This variant has not been identified in the general population by the Genome Aggregation Database (gnomAD). The available evidence is insufficient to determine the role of this variant in disease conclusively. Therefore, this variant is classified as a Variant of Uncertain Significance.

This study involves interpretation of variants in research participants for the purpose of population health screening. Participant phenotype was not available at the time of variant classification. Additional details can be found in publication PMID: 35346344, PMCID: PMC8962531